The following is an entry in ClinVar:

NM_001848.3(COL6A1):c.1829A>C (p.Lys610Thr)

Gene: COL6A1 (collagen type VI alpha 1 chain; plus strand). Cytogenetic location: 21q22.3.
Variant type: single nucleotide variant.
Coding change: c.1829A>C on transcript NM_001848.3 (MANE Select); coding-DNA position 1829, A replaced by C.
Protein change: p.Lys610Thr; replaces lysine 610 with threonine.
Molecular consequence: missense variant.
Genome position (GRCh38, 1-based): chr21:46,001,259, A>C. VCF-style: chr21-46001259-A-C. GRCh37 (hg19) VCF-style: chr21-47421173-A-C.
Other names: short protein forms K610T.
Identifiers: ClinVar variation 282543 (VCV000282543.24), dbSNP rs768906709, ClinGen allele CA10070637.

ClinVar aggregate classification (germline): Conflicting classifications of pathogenicity. Review status: criteria provided, conflicting classifications (1 of 4 stars). 6 submissions from 6 submitters: Uncertain significance (5); Benign (1). Last evaluated 2026-02-01.

Conditions:
Inborn genetic diseases. Identifiers: MedGen C0950123, MeSH D030342.
Bethlem myopathy 1A. Also called: Bethlem myopathy 1; MYOPATHY, BENIGN CONGENITAL, WITH CONTRACTURES; Bethlem Muscular Dystrophy. Identifiers: Orphanet 610, MedGen CN029274, MONDO:0024530, OMIM 158810.

Allele frequency attached by ClinVar (database versions not stated): ExAC 0.00003; TOPMed 0.00003; gnomAD exomes 0.00006.
gnomAD v4.1: 19 of 1,607,978 alleles (0.0012%); highest among the groups gnomAD compares: Admixed American, 0.032%; no homozygotes.

Submissions (6):

Labcorp Genetics (formerly Invitae), Labcorp
Classification: Benign for Bethlem myopathy 1A. Last evaluated: 2026-02-01. Review status: criteria provided, single submitter. Criteria: Invitae Variant Classification Sherloc (09022015). Collection method: clinical testing. Allele origin: germline.

Ambry Genetics
Classification: Uncertain significance for Inborn genetic diseases. Last evaluated: 2021-12-08. Review status: criteria provided, single submitter. Criteria: Ambry Variant Classification Scheme 2023. Collection method: clinical testing. Allele origin: germline.

Revvity Omics, Revvity
Classification: Uncertain significance. Last evaluated: 2020-12-16. Review status: criteria provided, single submitter. Criteria: ACMG Guidelines, 2015. Collection method: clinical testing. Allele origin: germline.

GeneDx
Classification: Uncertain significance. Last evaluated: 2020-08-28. Review status: criteria provided, single submitter. Criteria: GeneDx Variant Classification Process June 2021. Collection method: clinical testing. Allele origin: germline. Affected: yes.
Comment: Has not been previously published as pathogenic or benign to our knowledge; In silico analysis supports that this missense variant does not alter protein structure/function

Genetic Services Laboratory, University of Chicago
Classification: Uncertain significance. Last evaluated: 2016-08-02. Review status: criteria provided, single submitter. Criteria: ACMG Guidelines, 2015. Collection method: clinical testing. Allele origin: germline. Affected: no.

Eurofins Ntd Llc (ga)
Classification: Uncertain significance. Last evaluated: 2015-08-14. Review status: criteria provided, single submitter. Criteria: EGL Classification Definitions 2015. Collection method: clinical testing. Allele origin: germline. Observed: 1 variant allele, 1 heterozygote.